The following is an entry in ClinVar:

NM_058179.4(PSAT1):c.142G>A (p.Asp48Asn)

Gene: PSAT1 (phosphoserine aminotransferase 1; plus strand). Cytogenetic location: 9q21.2.
Variant type: single nucleotide variant.
Coding change: c.142G>A on transcript NM_058179.4 (MANE Select); coding-DNA position 142, G replaced by A.
Protein change: p.Asp48Asn; replaces aspartic acid 48 with asparagine.
Molecular consequence: missense variant.
Genome position (GRCh38, 1-based): chr9:78,301,974, G>A. VCF-style: chr9-78301974-G-A. GRCh37 (hg19) VCF-style: chr9-80916890-G-A.
Other names: c.142G>A, p.Asp48Asn (NM_021154.5); short protein forms D48N.
Identifiers: ClinVar variation 976919 (VCV000976919.9), dbSNP rs752037444, ClinGen allele CA5095534.

ClinVar aggregate classification (germline): Uncertain significance. Review status: criteria provided, single submitter (1 of 4 stars). 2 submissions from 2 submitters: Uncertain significance (1). 1 of the submissions does not count toward it. Last evaluated 2024-12-03.

Conditions:
Neu-Laxova syndrome 2. Identifiers: Orphanet 2671, Orphanet 583602, MedGen C4015019, MONDO:0014466, OMIM 616038.

Allele frequency attached by ClinVar (database versions not stated): gnomAD exomes 0.00001; ExAC 0.00002.
gnomAD v4.1: 5 of 1,611,576 alleles (0.00031%); highest among the groups gnomAD compares: Non-Finnish European, 0.00042%; no homozygotes.

Submissions (2):

Labcorp Genetics (formerly Invitae), Labcorp
Classification: Uncertain significance for Neu-Laxova syndrome 2. Last evaluated: 2024-12-03. Review status: criteria provided, single submitter. Criteria: Invitae Variant Classification Sherloc (09022015). Collection method: clinical testing. Allele origin: germline.
Comment: This sequence change replaces aspartic acid, which is acidic and polar, with asparagine, which is neutral and polar, at codon 48 of the PSAT1 protein (p.Asp48Asn). This variant is present in population databases (rs752037444, gnomAD 0.0009%). This variant has not been reported in the literature in individuals affected with PSAT1-related conditions. ClinVar contains an entry for this variant (Variation ID: 976919). Invitae Evidence Modeling of protein sequence and biophysical properties (such as structural, functional, and spatial information, amino acid conservation, physicochemical variation, residue mobility, and thermodynamic stability) indicates that this missense variant is not expected to disrupt PSAT1 protein function with a negative predictive value of 80%. Experimental studies have shown that this missense change does not substantially affect PSAT1 function (PMID: 32077105). In summary, the available evidence is currently insufficient to determine the role of this variant in disease. Therefore, it has been classified as a Variant of Uncertain Significance.

Dudley Research Group, Pacific Northwest Research Institute
No classification provided. Review status: no classification provided. Collection method: research, in vivo. Allele origin: unknown, not applicable. Functional consequence: functionally_normal. Not counted in ClinVar's aggregate classification.

Literature cited by the submitters: PubMed 32077105 (cited by Labcorp Genetics (formerly Invitae), Labcorp).